The following is an entry in ClinVar:

NM_006892.4(DNMT3B):c.1489C>G (p.Arg497Gly)

Gene: DNMT3B (DNA methyltransferase 3 beta; plus strand). Cytogenetic location: 20q11.21.
Variant type: single nucleotide variant.
Coding change: c.1489C>G on transcript NM_006892.4 (MANE Select); coding-DNA position 1489, C replaced by G.
Protein change: p.Arg497Gly; replaces arginine 497 with glycine.
Molecular consequence: missense variant.
Genome position (GRCh38, 1-based): chr20:32,797,298, C>G. VCF-style: chr20-32797298-C-G. GRCh37 (hg19) VCF-style: chr20-31385104-C-G.
Other names: c.1303C>G, p.Arg435Gly (NM_001207055.2); c.1201C>G, p.Arg401Gly (NM_001207056.2); c.1429C>G, p.Arg477Gly (NM_175848.2, NM_175849.2); c.1465C>G, p.Arg489Gly (NM_175850.3); short protein forms R401G, R477G, R435G, R489G, R497G.
Identifiers: ClinVar variation 2088316 (VCV002088316.1), dbSNP rs757998715, ClinGen allele CA408586149.

ClinVar aggregate classification (germline): Uncertain significance (1 of 4 stars; one submission).

Conditions:
Centromeric instability of chromosomes 1,9 and 16 and immunodeficiency (ICF1). Also called: CENTROMERIC INSTABILITY, IMMUNODEFICIENCY SYNDROME; IMMUNE DEFICIENCY, VARIABLE, WITH CENTROMERIC INSTABILITY OF CHROMOSOMES 1, 9, AND 16; IMMUNODEFICIENCY SYNDROME, VARIABLE; Immunodeficiency-centromeric instability-facial anomalies. Identifiers: Orphanet 2268, MedGen C0398788, MONDO:0000133.

gnomAD v4.1: 2 of 1,613,994 alleles (0.00012%); highest among the groups gnomAD compares: Non-Finnish European, 0.00017%; no homozygotes.

Submission:

Labcorp Genetics (formerly Invitae), Labcorp
Classification: Uncertain significance for Centromeric instability of chromosomes 1,9 and 16 and immunodeficiency. Last evaluated: 2022-01-20. Review status: criteria provided, single submitter. Criteria: Invitae Variant Classification Sherloc (09022015). Collection method: clinical testing. Allele origin: germline.
Comment: This sequence change replaces arginine, which is basic and polar, with glycine, which is neutral and non-polar, at codon 497 of the DNMT3B protein (p.Arg497Gly). This variant is not present in population databases (gnomAD no frequency). This variant has not been reported in the literature in individuals affected with DNMT3B-related conditions. Algorithms developed to predict the effect of missense changes on protein structure and function (SIFT, PolyPhen-2, Align-GVGD) all suggest that this variant is likely to be disruptive. In summary, the available evidence is currently insufficient to determine the role of this variant in disease. Therefore, it has been classified as a Variant of Uncertain Significance.